The following is an entry in ClinVar:

ClinVar aggregate classification (germline): Likely benign (1 of 4 stars; one submission).

Submission:

Mayo Clinic Laboratories, Mayo Clinic
Classification: Likely benign. Last evaluated: 2025-05-26. Review status: criteria provided, single submitter. Criteria: ACMG Guidelines, 2015. Collection method: clinical testing. Allele origin: germline. Observed: 3 variant alleles.
Comment: BP4, BP7, PM2_supporting

NM_001365276.2(TNXB):c.10782C>T (p.Asn3594=)

Genes: TNXB (tenascin XB; minus strand), LOC106780803 (tenascin XB recombination region; plus strand). Cytogenetic location: 6p21.33.
Variant type: single nucleotide variant.
Coding change: c.10782C>T on transcript NM_001365276.2 (MANE Select); coding-DNA position 10782, C replaced by T.
Protein change: p.Asn3594=; no amino-acid change (asparagine 3594 retained).
Molecular consequence: synonymous variant.
Genome position (GRCh38, 1-based): chr6:32,045,151, G>A on the plus strand (C>T on the coding strand, the complement: TNXB is on the minus strand). VCF-style: chr6-32045151-G-A. GRCh37 (hg19) VCF-style: chr6-32012928-G-A.
Other names: p.Asn3592=; c.11523C>T, p.Asn3841= (NM_001428335.1); c.10776C>T, p.Asn3592= (NM_019105.8); c.69C>T, p.Asn23= (NM_032470.4).
Identifiers: ClinVar variation 4684949 (VCV004684949.1).
Genomic context (GRCh38, chr6:32,045,151, plus strand): 5'-CAGGCCTGAGATGAGGATCTTGCTCTGGTCGCCGTCCACGAGCAAGGCCTGGGGCTGCCC[G>A]TTCGTGTCCTCATACTGGACCACGAAGGAATCAAAGGGGCCCTGGGCCACGCTCCACGAG-3'
Protein context (NP_001352205.1, residues 3584-3604): DSFVVQYEDT[Asn3594=]GQPQALLVDG